The following is an entry in ClinVar:

NM_001387430.1(SH2B1):c.2050G>A (p.Gly684Ser)

Gene: SH2B1 (SH2B adaptor protein 1; plus strand). Cytogenetic location: 16p11.2.
Variant type: single nucleotide variant.
Coding change: c.2050G>A on transcript NM_001387430.1 (MANE Select); coding-DNA position 2050, G replaced by A.
Protein change: p.Gly684Ser; replaces glycine 684 with serine.
Molecular consequence: missense variant. On other transcripts: 3 prime UTR variant (5).
Genome position (GRCh38, 1-based): chr16:28,873,599, G>A. VCF-style: chr16-28873599-G-A. GRCh37 (hg19) VCF-style: chr16-28884920-G-A.
Other names: c.2050G>A, p.Gly684Ser (NM_001145795.2, NM_001308293.2, NM_001387404.1); c.*134G>A (NM_001145796.2, NM_001145812.2, NM_001308294.2 and 1 more transcripts); c.*151G>A (NM_001145797.2); short protein forms G684S.
Identifiers: ClinVar variation 3354636 (VCV003354636.2).

ClinVar aggregate classification (germline): Uncertain significance (1 of 4 stars; one submission).

Conditions:
SH2B1-related disorder. Also called: SH2B1-related condition.

Submission:

PreventionGenetics, part of Exact Sciences
Classification: Uncertain significance for SH2B1-related condition. Last evaluated: 2025-07-15. Review status: criteria provided, single submitter. Criteria: ACMG Guidelines, 2015. Collection method: clinical testing. Allele origin: germline.
Comment: The SH2B1 c.2050G>A variant is predicted to result in the amino acid substitution p.Gly684Ser. To our knowledge, this variant has not been reported in the literature. This variant is reported in 0.0047% of alleles in individuals of European (non-Finnish) descent in gnomAD. At this time, the clinical significance of this variant is uncertain due to the absence of conclusive functional and genetic evidence.